The following is an entry in ClinVar:

ClinVar aggregate classification (germline): Pathogenic (1 of 4 stars; one submission).

Conditions:
Hereditary breast ovarian cancer syndrome. Also called: Hereditary breast and ovarian cancer syndrome; Breast and ovarian cancer; Hereditary breast and ovarian cancer; Hereditary breast and/or ovarian cancer syndrome; Hereditary breast and ovarian cancer syndrome (HBOC); BRCA1- and BRCA2-Associated Hereditary Breast and Ovarian Cancer. Identifiers: Orphanet 145, MedGen C0677776, MeSH D061325, MONDO:0003582. Disease mechanism: loss of function.

Submission:

Labcorp Genetics (formerly Invitae), Labcorp
Classification: Pathogenic for Hereditary breast ovarian cancer syndrome. Last evaluated: 2018-02-28. Review status: criteria provided, single submitter. Criteria: Invitae Variant Classification Sherloc (09022015). Collection method: clinical testing. Allele origin: germline.
Comment: For these reasons, this variant has been classified as Pathogenic. While this particular variant has not been reported in the literature in individuals with BRCA2-related disease, loss-of-function variants in BRCA2 are known to be pathogenic (PMID: 20104584). This variant is a gross deletion of the genomic region encompassing part of exon 13 of the BRCA2 gene, including the exon 13-intron 13 boundary (c.6993_7007+7del). This likely creates a premature translational stop signal and is expected to result in an absent or disrupted protein product.

Literature cited by the submitters: PubMed 20104584.

NM_000059.4(BRCA2):c.6993_7007+7del

Gene: BRCA2 (BRCA2 DNA repair associated; plus strand). Cytogenetic location: 13q13.1.
Variant type: Deletion.
Coding change: c.6993_7007+7del on transcript NM_000059.4 (MANE Select); coding-DNA position 6993 through 7 bases into the intron after coding-DNA position 7007, 22 bases deleted (CTGTGTACCCTTTCGGTAAGAC).
Molecular consequence: splice donor variant.
Genome position (GRCh38, 1-based): chr13:32,346,882-32,346,903, CTGTGTACCCTTTCGGTAAGAC deleted; deleting any 22 consecutive bases within chr13:32,346,880-32,346,903 gives the same sequence; the c. name uses the placement nearest the transcript's 3' end. VCF-style (leftmost placement, unchanged base first): chr13-32346879-TACCTGTGTACCCTTTCGGTAAG-T. GRCh37 (hg19) VCF-style: chr13-32921016-TACCTGTGTACCCTTTCGGTAAG-T.
Other names: c.6993_7007+7delCTGTGTACCCTTTCGGTAAGAC (NM_000059.3).
Identifiers: ClinVar variation 570253 (VCV000570253.9), dbSNP rs1566237849, ClinGen allele CA891844180.
Genomic context (GRCh38, chr13:32,346,879, plus strand): 5'-TTTCCTAGGCACAATAAAAGATCGAAGATTGTTTATGCATCATGTTTCTTTAGAGCCGAT[TACCTGTGTACCCTTTCGGTAAG>T]ACATGTTTAAATTTTTCTAAATTCTAATACAGTATGAGAAAAGTCTCGTTTTTATAAATG-3'